The following is an entry in ClinVar:

ClinVar aggregate classification (germline): Pathogenic/Likely pathogenic. Review status: criteria provided, multiple submitters, no conflicts (2 of 4 stars). 2 submissions from 2 submitters: Pathogenic (1); Likely pathogenic (1). Last evaluated 2025-12-11.

Conditions:
Immunodeficiency 104. Also called: Severe Combined Immune Deficiency, Autosomal Recessive, TCell -Negative, B Cell-Positive, NK Cell-Positive, IL7R-Related; IMMUNODEFICIENCY 104, SEVERE COMBINED; Severe combined immunodeficiency, autosomal recessive, T cell-negative, B cell-positive, NK cell-positive; SCID, AUTOSOMAL RECESSIVE, T CELL-NEGATIVE, B CELL-POSITIVE, NK CELL-POSITIVE. Identifiers: MedGen C5676890, MONDO:0012163, OMIM 608971.

gnomAD v4.1: 7 of 1,613,452 alleles (0.00043%); highest among the groups gnomAD compares: Non-Finnish European, 0.00059%; no homozygotes.

Submissions (2):

Labcorp Genetics (formerly Invitae), Labcorp
Classification: Pathogenic for Immunodeficiency 104. Last evaluated: 2025-12-11. Review status: criteria provided, single submitter. Criteria: Invitae Variant Classification Sherloc (09022015). Collection method: clinical testing. Allele origin: germline.
Comment: This sequence change creates a premature translational stop signal (p.Glu72*) in the IL7R gene. It is expected to result in an absent or disrupted protein product. Loss-of-function variants in IL7R are known to be pathogenic (PMID: 21664875, 26123418). This variant is not present in population databases (gnomAD no frequency). This variant has not been reported in the literature in individuals affected with IL7R-related conditions. ClinVar contains an entry for this variant (Variation ID: 2795280). For these reasons, this variant has been classified as Pathogenic.

Fulgent Genetics
Classification: Likely pathogenic for Immunodeficiency 104. Last evaluated: 2024-03-27. Review status: criteria provided, single submitter. Criteria: ACMG Guidelines, 2015. Collection method: clinical testing. Allele origin: germline.

Literature cited by the submitters: PubMed 21664875 (cited by Labcorp Genetics (formerly Invitae), Labcorp); PubMed 26123418 (cited by Labcorp Genetics (formerly Invitae), Labcorp).

NM_002185.5(IL7R):c.214G>T (p.Glu72Ter)

Gene: IL7R (interleukin 7 receptor; plus strand). Cytogenetic location: 5p13.2.
Variant type: single nucleotide variant.
Coding change: c.214G>T on transcript NM_002185.5 (MANE Select); coding-DNA position 214, G replaced by T.
Protein change: p.Glu72Ter; replaces glutamic acid 72 with a stop codon.
Molecular consequence: nonsense. On other transcripts: non-coding transcript variant (1).
Genome position (GRCh38, 1-based): chr5:35,860,983, G>T. VCF-style: chr5-35860983-G-T. GRCh37 (hg19) VCF-style: chr5-35861085-G-T.
Other names: c.214G>T, p.Glu72Ter (NM_001410734.1); short protein forms E72*.
Identifiers: ClinVar variation 2795280 (VCV002795280.4), dbSNP rs148001159, ClinGen allele CA359427054.